The following is an entry in ClinVar:

NM_001844.5(COL2A1):c.1331_1340del (p.Gly444fs)

Gene: COL2A1 (collagen type II alpha 1 chain; minus strand). Cytogenetic location: 12q13.11.
Variant type: Deletion.
Coding change: c.1331_1340del on transcript NM_001844.5 (MANE Select); coding-DNA positions 1331 to 1340, 10 bases deleted (GTGCAACTGG; older notation c.1331_1340delGTGCAACTGG).
Protein change: p.Gly444fs; shifts the reading frame from glycine 444.
Molecular consequence: frameshift variant.
Genome position (GRCh38, 1-based): chr12:47,987,103-47,987,112, CCAGTTGCAC deleted on the plus strand (GTGCAACTGG on the coding strand, the reverse complement: COL2A1 is on the minus strand); deleting any 10 consecutive bases within chr12:47,987,103-47,987,113 gives the same sequence; the c. name uses the placement nearest the transcript's 3' end. VCF-style (leftmost placement, unchanged base first): chr12-47987102-ACCAGTTGCAC-A. GRCh37 (hg19) VCF-style: chr12-48380885-ACCAGTTGCAC-A.
Other names: c.1124_1133del, p.Gly375fs (NM_033150.3); short protein forms G375fs, G444fs.
Identifiers: ClinVar variation 1186752 (VCV001186752.3), dbSNP rs2136575705, ClinGen allele CA2499221676.

ClinVar aggregate classification (germline): Pathogenic. Review status: criteria provided, multiple submitters, no conflicts (2 of 4 stars). 2 submissions from 2 submitters: Pathogenic (2). Last evaluated 2026-01-01.

Submissions (2):

Labcorp Genetics (formerly Invitae), Labcorp
Classification: Pathogenic. Last evaluated: 2026-01-01. Review status: criteria provided, single submitter. Criteria: Invitae Variant Classification Sherloc (09022015). Collection method: clinical testing. Allele origin: germline.
Comment: This sequence change creates a premature translational stop signal (p.Gly444Valfs*182) in the COL2A1 gene. It is expected to result in an absent or disrupted protein product. Loss-of-function variants in COL2A1 are known to be pathogenic (PMID: 20179744). This variant is not present in population databases (gnomAD no frequency). This variant has not been reported in the literature in individuals affected with COL2A1-related conditions. ClinVar contains an entry for this variant (Variation ID: 1186752). For these reasons, this variant has been classified as Pathogenic.

GeneDx
Classification: Pathogenic. Last evaluated: 2021-06-08. Review status: criteria provided, single submitter. Criteria: GeneDx Variant Classification Process June 2021. Collection method: clinical testing. Allele origin: germline. Affected: yes.
Comment: Has not been previously published as pathogenic or benign to our knowledge; Not observed at significant frequency in large population cohorts (Lek et al., 2016); Frameshift variant predicted to result in protein truncation or nonsense mediated decay in a gene for which loss-of-function is a known mechanism of disease; This variant is associated with the following publications: (PMID: 27535533)

Literature cited by the submitters: PubMed 20179744 (cited by Labcorp Genetics (formerly Invitae), Labcorp).